The following is an entry in ClinVar:

NM_006949.4(STXBP2):c.1190C>T (p.Ala397Val)

Gene: STXBP2 (syntaxin binding protein 2; plus strand). Cytogenetic location: 19p13.2.
Variant type: single nucleotide variant.
Coding change: c.1190C>T on transcript NM_006949.4 (MANE Select); coding-DNA position 1190, C replaced by T.
Protein change: p.Ala397Val; replaces alanine 397 with valine.
Molecular consequence: missense variant. On other transcripts: non-coding transcript variant (1).
Genome position (GRCh38, 1-based): chr19:7,644,696, C>T. VCF-style: chr19-7644696-C-T. GRCh37 (hg19) VCF-style: chr19-7709582-C-T.
Other names: c.1181C>T, p.Ala394Val (NM_001127396.3); c.1223C>T, p.Ala408Val (NM_001272034.2); c.1190C>T (NM_006949.2); short protein forms A397V, A408V, A394V.
Identifiers: ClinVar variation 1408985 (VCV001408985.9), dbSNP rs1309026455, ClinGen allele CA403161156.
Genomic context (GRCh38, chr19:7,644,696, plus strand): 5'-CAGAGGGGGAGAAGATCAAGGACTCCATGAAGCTGATCGTTCCGGTGCTGCTGGACGCGG[C>T]GGTGCCCGCCTACGACAAGATCCGGGTCCTGCTGCTCTACATCCTCCTTCGGAATGGTGG-3'
Protein context (NP_008880.2, residues 387-407): KLIVPVLLDA[Ala397Val]VPAYDKIRVL

ClinVar aggregate classification (germline): Uncertain significance. Review status: criteria provided, multiple submitters, no conflicts (2 of 4 stars). 3 submissions from 3 submitters: Uncertain significance (3). Last evaluated 2025-08-28.

Conditions:
Inborn genetic diseases. Identifiers: MedGen C0950123, MeSH D030342.
Familial hemophagocytic lymphohistiocytosis 5. Also called: STXBP2-Related Familial Hemophagocytic Lymphohistiocytosis (STXBP2-fHLH). Identifiers: Orphanet 540, MedGen C2751293, MONDO:0013135, OMIM 613101.

Allele frequency attached by ClinVar (database versions not stated): gnomAD exomes 0.00001; gnomAD 0.00002; TOPMed 0.00003.
gnomAD v4.1: 14 of 1,613,626 alleles (0.00087%); highest among the groups gnomAD compares: African/African-American, 0.004%; no homozygotes.

Submissions (3):

Ambry Genetics
Classification: Uncertain significance for Inborn genetic diseases. Last evaluated: 2025-08-28. Review status: criteria provided, single submitter. Criteria: Ambry Variant Classification Scheme 2023. Collection method: clinical testing. Allele origin: germline.

Labcorp Genetics (formerly Invitae), Labcorp
Classification: Uncertain significance for Familial hemophagocytic lymphohistiocytosis 5. Last evaluated: 2023-11-19. Review status: criteria provided, single submitter. Criteria: Invitae Variant Classification Sherloc (09022015). Collection method: clinical testing. Allele origin: germline.
Comment: This sequence change replaces alanine, which is neutral and non-polar, with valine, which is neutral and non-polar, at codon 397 of the STXBP2 protein (p.Ala397Val). This variant is present in population databases (no rsID available, gnomAD 0.008%). This variant has not been reported in the literature in individuals affected with STXBP2-related conditions. ClinVar contains an entry for this variant (Variation ID: 1408985). Advanced modeling of protein sequence and biophysical properties (such as structural, functional, and spatial information, amino acid conservation, physicochemical variation, residue mobility, and thermodynamic stability) performed at Invitae indicates that this missense variant is not expected to disrupt STXBP2 protein function with a negative predictive value of 80%. In summary, the available evidence is currently insufficient to determine the role of this variant in disease. Therefore, it has been classified as a Variant of Uncertain Significance.

Women's Health and Genetics/Laboratory Corporation of America, LabCorp
Classification: Uncertain significance. Last evaluated: 2022-03-08. Review status: criteria provided, single submitter. Criteria: LabCorp Variant Classification Summary - May 2015. Collection method: clinical testing. Allele origin: germline.
Comment: Variant summary: STXBP2 c.1190C>T (p.Ala397Val) results in a non-conservative amino acid change in the encoded protein sequence. Four of five in-silico tools predict a benign effect of the variant on protein function. The variant allele was found at a frequency of 8e-06 in 250504 control chromosomes (gnomAD). The available data on variant occurrences in the general population are insufficient to allow any conclusion about variant significance. To our knowledge, no occurrence of c.1190C>T in individuals affected with Familial Hemophagocytic Lymphohistiocytosis and no experimental evidence demonstrating its impact on protein function have been reported. No clinical diagnostic laboratories have submitted clinical-significance assessments for this variant to ClinVar after 2014. Based on the evidence outlined above, the variant was classified as uncertain significance.